The following is an entry in ClinVar:

NM_000059.4(BRCA2):c.3670G>A (p.Gly1224Ser)

Gene: BRCA2 (BRCA2 DNA repair associated; plus strand). Cytogenetic location: 13q13.1.
Variant type: single nucleotide variant.
Coding change: c.3670G>A on transcript NM_000059.4 (MANE Select); coding-DNA position 3670, G replaced by A.
Protein change: p.Gly1224Ser; replaces glycine 1224 with serine.
Molecular consequence: missense variant.
Genome position (GRCh38, 1-based): chr13:32,338,025, G>A. VCF-style: chr13-32338025-G-A. GRCh37 (hg19) VCF-style: chr13-32912162-G-A.
Other names: c.3670G>A (NM_000059.3); short protein forms G1224S.
Identifiers: ClinVar variation 1462268 (VCV001462268.10), dbSNP rs2137498845, ClinGen allele CA387777990.

ClinVar aggregate classification (germline): Conflicting classifications of pathogenicity. Review status: criteria provided, conflicting classifications (1 of 4 stars). 3 submissions from 3 submitters: Uncertain significance (2); Likely benign (1). Last evaluated 2025-11-01.

Conditions:
Hereditary cancer-predisposing syndrome. Also called: Tumor predisposition; Hereditary neoplastic syndrome; Hereditary Cancer Syndrome; Neoplastic Syndromes, Hereditary. Identifiers: Orphanet 140162, MedGen C0027672, MeSH D009386, MONDO:0015356.
Hereditary breast ovarian cancer syndrome. Also called: Hereditary breast and ovarian cancer; Breast and ovarian cancer; BRCA1- and BRCA2-Associated Hereditary Breast and Ovarian Cancer; Hereditary breast and/or ovarian cancer syndrome; Hereditary breast and ovarian cancer syndrome; Hereditary breast and ovarian cancer syndrome (HBOC). Identifiers: Orphanet 145, MedGen C0677776, MeSH D061325, MONDO:0003582. Disease mechanism: loss of function.

Submissions (3):

Labcorp Genetics (formerly Invitae), Labcorp
Classification: Uncertain significance for Hereditary breast ovarian cancer syndrome. Last evaluated: 2025-11-01. Review status: criteria provided, single submitter. Criteria: Invitae Variant Classification Sherloc (09022015). Collection method: clinical testing. Allele origin: germline.
Comment: This sequence change replaces glycine, which is neutral and non-polar, with serine, which is neutral and polar, at codon 1224 of the BRCA2 protein (p.Gly1224Ser). This variant is not present in population databases (gnomAD no frequency). This variant has not been reported in the literature in individuals affected with BRCA2-related conditions. ClinVar contains an entry for this variant (Variation ID: 1462268). Invitae Evidence Modeling of protein sequence and biophysical properties (such as structural, functional, and spatial information, amino acid conservation, physicochemical variation, residue mobility, and thermodynamic stability) indicates that this missense variant is not expected to disrupt BRCA2 protein function with a negative predictive value of 95%. In summary, the available evidence is currently insufficient to determine the role of this variant in disease. Therefore, it has been classified as a Variant of Uncertain Significance.

Ambry Genetics
Classification: Uncertain significance for Hereditary cancer-predisposing syndrome. Last evaluated: 2025-09-20. Review status: criteria provided, single submitter. Criteria: Ambry Variant Classification Scheme 2023. Collection method: clinical testing. Allele origin: germline.
Comment: The p.G1224S variant (also known as c.3670G>A), located in coding exon 10 of the BRCA2 gene, results from a G to A substitution at nucleotide position 3670. The glycine at codon 1224 is replaced by serine, an amino acid with similar properties. This amino acid position is conserved. In addition, this alteration is predicted to be deleterious by in silico analysis. Since supporting evidence is limited at this time, the clinical significance of this alteration remains unclear.

University of Washington Department of Laboratory Medicine, University of Washington
Classification: Likely benign for Hereditary cancer-predisposing syndrome. Last evaluated: 2023-03-23. Review status: criteria provided, single submitter. Criteria: Dines et al. (Genet Med. 2020). Collection method: curation. Allele origin: germline.
Comment: Missense variant in a coldspot region where missense variants are very unlikely to be pathogenic (PMID:31911673).

BRCA2 exon 11 coldspot. Reclassification based on statistical prior probability.